The following is an entry in ClinVar:

NM_001122681.2(SH3BP2):c.800G>T (p.Cys267Phe)

Gene: SH3BP2 (SH3 domain binding protein 2; plus strand). Cytogenetic location: 4p16.3.
Variant type: single nucleotide variant.
Coding change: c.800G>T on transcript NM_001122681.2 (MANE Select); coding-DNA position 800, G replaced by T.
Protein change: p.Cys267Phe; replaces cysteine 267 with phenylalanine.
Molecular consequence: missense variant.
Genome position (GRCh38, 1-based): chr4:2,829,706, G>T. VCF-style: chr4-2829706-G-T. GRCh37 (hg19) VCF-style: chr4-2831433-G-T.
Other names: c.884G>T, p.Cys295Phe (NM_001145855.2); c.971G>T, p.Cys324Phe (NM_001145856.2); c.800G>T, p.Cys267Phe (NM_003023.4); short protein forms C267F, C295F, C324F.
Identifiers: ClinVar variation 4805865 (VCV004805865.1).

ClinVar aggregate classification (germline): Uncertain significance (1 of 4 stars; one submission).

Conditions:
Fibrous dysplasia of jaw (CRBM). Also called: Cherubism. Identifiers: Orphanet 184, MedGen C0008029, MONDO:0007315, OMIM 118400.

Submission:

Labcorp Genetics (formerly Invitae), Labcorp
Classification: Uncertain significance for Fibrous dysplasia of jaw. Last evaluated: 2025-07-06. Review status: criteria provided, single submitter. Criteria: Invitae Variant Classification Sherloc (09022015). Collection method: clinical testing. Allele origin: germline.
Comment: This sequence change replaces cysteine, which is neutral and slightly polar, with phenylalanine, which is neutral and non-polar, at codon 267 of the SH3BP2 protein (p.Cys267Phe). This variant is not present in population databases (gnomAD no frequency). This variant has not been reported in the literature in individuals affected with SH3BP2-related conditions. Invitae Evidence Modeling of protein sequence and biophysical properties (such as structural, functional, and spatial information, amino acid conservation, physicochemical variation, residue mobility, and thermodynamic stability) has been performed for this missense variant. However, the output from this modeling did not meet the statistical confidence thresholds required to predict the impact of this variant on SH3BP2 protein function. In summary, the available evidence is currently insufficient to determine the role of this variant in disease. Therefore, it has been classified as a Variant of Uncertain Significance.